The following is an entry in ClinVar:

ClinVar aggregate classification (germline): Uncertain significance. Review status: criteria provided, single submitter (1 of 4 stars). 2 submissions from 2 submitters: Uncertain significance (1). 1 of the submissions does not count toward it. Last evaluated 2022-06-28.

Conditions:
Very long chain acyl-CoA dehydrogenase deficiency (ACADVLD). Also called: VLCAD Deficiency; Very Long-Chain Acyl-Coenzyme A Dehydrogenase Deficiency. Identifiers: Orphanet 26793, MedGen C3887523, MONDO:0008723, OMIM 201475.

Allele frequency attached by ClinVar (database versions not stated): ExAC 0.00001; gnomAD exomes 0.00001 and below 0.00001; TOPMed 0.00002; ESP Exome Variant Server 0.00008.
gnomAD v4.1: 16 of 1,613,970 alleles (0.00099%); highest among the groups gnomAD compares: African/African-American, 0.0013%; no homozygotes.

Submissions (2):

Labcorp Genetics (formerly Invitae), Labcorp
Classification: Uncertain significance for Very long chain acyl-CoA dehydrogenase deficiency. Last evaluated: 2022-06-28. Review status: criteria provided, single submitter. Criteria: Invitae Variant Classification Sherloc (09022015). Collection method: clinical testing. Allele origin: germline.
Comment: This sequence change replaces alanine, which is neutral and non-polar, with glycine, which is neutral and non-polar, at codon 612 of the ACADVL protein (p.Ala612Gly). This variant is present in population databases (rs374898424, gnomAD 0.003%). This variant has not been reported in the literature in individuals affected with ACADVL-related conditions. ClinVar contains an entry for this variant (Variation ID: 474893). Algorithms developed to predict the effect of missense changes on protein structure and function (SIFT, PolyPhen-2, Align-GVGD) all suggest that this variant is likely to be tolerated. Algorithms developed to predict the effect of sequence changes on RNA splicing suggest that this variant may create or strengthen a splice site. In summary, the available evidence is currently insufficient to determine the role of this variant in disease. Therefore, it has been classified as a Variant of Uncertain Significance.

Natera, Inc.
Classification: Uncertain significance for Very long chain acyl-CoA dehydrogenase deficiency. Last evaluated: 2020-09-23. Review status: no assertion criteria provided. Collection method: clinical testing. Allele origin: germline. Not counted in ClinVar's aggregate classification.

NM_000018.4(ACADVL):c.1835C>G (p.Ala612Gly)

Gene: ACADVL (acyl-CoA dehydrogenase very long chain; plus strand). Cytogenetic location: 17p13.1.
Variant type: single nucleotide variant.
Coding change: c.1835C>G on transcript NM_000018.4 (MANE Select); coding-DNA position 1835, C replaced by G.
Protein change: p.Ala612Gly; replaces alanine 612 with glycine.
Molecular consequence: missense variant.
Genome position (GRCh38, 1-based): chr17:7,224,964, C>G. VCF-style: chr17-7224964-C-G. GRCh37 (hg19) VCF-style: chr17-7128283-C-G.
Other names: c.1769C>G, p.Ala590Gly (NM_001033859.3); c.1904C>G, p.Ala635Gly (NM_001270447.2); c.1607C>G, p.Ala536Gly (NM_001270448.2); short protein forms A612G, A590G, A635G, A536G.
Identifiers: ClinVar variation 474893 (VCV000474893.11), dbSNP rs374898424, ClinGen allele CA8338294.